The following is an entry in ClinVar:

NM_000113.3(TOR1A):c.880G>T (p.Glu294Ter)

Gene: TOR1A (torsin family 1 member A; minus strand). Cytogenetic location: 9q34.11.
Variant type: single nucleotide variant.
Coding change: c.880G>T on transcript NM_000113.3 (MANE Select); coding-DNA position 880, G replaced by T.
Protein change: p.Glu294Ter; replaces glutamic acid 294 with a stop codon.
Molecular consequence: nonsense.
Genome position (GRCh38, 1-based): chr9:129,814,091, C>A on the plus strand (G>T on the coding strand, the complement: TOR1A is on the minus strand). VCF-style: chr9-129814091-C-A. GRCh37 (hg19) VCF-style: chr9-132576370-C-A.
Other names: short protein forms E294*.
Identifiers: ClinVar variation 1325218 (VCV001325218.6), dbSNP rs1223607142, ClinGen allele CA375197706.

ClinVar aggregate classification (germline): Uncertain significance (1 of 4 stars; one submission).

Conditions:
Dystonic disorder. Also called: Dystonia. Identifiers: MedGen C0013421, MONDO:0003441, HP:0001332.

Allele frequency attached by ClinVar (database versions not stated): TOPMed below 0.00001; gnomAD 0.00001; gnomAD exomes 0.00001.

Submission:

Labcorp Genetics (formerly Invitae), Labcorp
Classification: Uncertain significance for Dystonic disorder. Last evaluated: 2022-11-01. Review status: criteria provided, single submitter. Criteria: Invitae Variant Classification Sherloc (09022015). Collection method: clinical testing. Allele origin: germline.
Comment: This variant is present in population databases (no rsID available, gnomAD 0.002%). This variant has not been reported in the literature in individuals affected with TOR1A-related conditions. This sequence change creates a premature translational stop signal (p.Glu294*) in the TOR1A gene. While this is not anticipated to result in nonsense mediated decay, it is expected to disrupt the last 39 amino acid(s) of the TOR1A protein. ClinVar contains an entry for this variant (Variation ID: 1325218). In summary, the available evidence is currently insufficient to determine the role of this variant in disease. Therefore, it has been classified as a Variant of Uncertain Significance.